The following is an entry in ClinVar:

NM_000481.4(AMT):c.878G>A (p.Gly293Glu)

Gene: AMT (aminomethyltransferase; minus strand). Cytogenetic location: 3p21.31.
Variant type: single nucleotide variant.
Coding change: c.878G>A on transcript NM_000481.4 (MANE Select); coding-DNA position 878, G replaced by A.
Protein change: p.Gly293Glu; replaces glycine 293 with glutamic acid.
Molecular consequence: missense variant. On other transcripts: non-coding transcript variant (1).
Genome position (GRCh38, 1-based): chr3:49,417,973, C>T on the plus strand (G>A on the coding strand, the complement: AMT is on the minus strand). VCF-style: chr3-49417973-C-T. GRCh37 (hg19) VCF-style: chr3-49455406-C-T.
Other names: c.746G>A, p.Gly249Glu (NM_001164710.2); c.710G>A, p.Gly237Glu (NM_001164711.2); c.878G>A, p.Gly293Glu (NM_001164712.2); short protein forms G293E, G237E, G249E.
Identifiers: ClinVar variation 2160304 (VCV002160304.4), dbSNP rs1323773029, ClinGen allele CA352789640.

ClinVar aggregate classification (germline): Uncertain significance. Review status: criteria provided, multiple submitters, no conflicts (2 of 4 stars). 2 submissions from 2 submitters: Uncertain significance (2). Last evaluated 2024-02-23.

Conditions:
Inborn genetic diseases. Identifiers: MedGen C0950123, MeSH D030342.
Glycine encephalopathy. Also called: Non-ketotic hyperglycinemia; Nonketotic hyperglycinemia. Identifiers: Orphanet 407, MedGen C0751748, MONDO:0011612, HP:0008288.

Allele frequency attached by ClinVar (database versions not stated): TOPMed 0.00002.
gnomAD v4.1: 1 of 1,607,746 alleles (0.000062%); no homozygotes.

Submissions (2):

Labcorp Genetics (formerly Invitae), Labcorp
Classification: Uncertain significance for Glycine encephalopathy. Last evaluated: 2024-02-23. Review status: criteria provided, single submitter. Criteria: Invitae Variant Classification Sherloc (09022015). Collection method: clinical testing. Allele origin: germline.
Comment: This sequence change replaces glycine, which is neutral and non-polar, with glutamic acid, which is acidic and polar, at codon 293 of the AMT protein (p.Gly293Glu). This variant is not present in population databases (gnomAD no frequency). This variant has not been reported in the literature in individuals affected with AMT-related conditions. ClinVar contains an entry for this variant (Variation ID: 2160304). An algorithm developed to predict the effect of missense changes on protein structure and function (PolyPhen-2) suggests that this variant is likely to be disruptive. In summary, the available evidence is currently insufficient to determine the role of this variant in disease. Therefore, it has been classified as a Variant of Uncertain Significance.

Ambry Genetics
Classification: Uncertain significance for Inborn genetic diseases. Last evaluated: 2021-08-12. Review status: criteria provided, single submitter. Criteria: Ambry Variant Classification Scheme 2023. Collection method: clinical testing. Allele origin: germline.